The following is an entry in ClinVar:

ClinVar aggregate classification (germline): Conflicting classifications of pathogenicity. Review status: criteria provided, conflicting classifications (1 of 4 stars). 4 submissions from 4 submitters: Likely pathogenic (3); Uncertain significance (1). Last evaluated 2025-10-02.

Conditions:
Atypical hemolytic-uremic syndrome with MCP/CD46 anomaly. Also called: HEMOLYTIC UREMIC SYNDROME, ATYPICAL, SUSCEPTIBILITY TO, 2; AHUS, SUSCEPTIBILITY TO, 2. Identifiers: Orphanet 2134, MedGen C2752040, MONDO:0013040, OMIM 612922.
CD46-related disorders.
Atypical hemolytic-uremic syndrome. Identifiers: Orphanet 2134, MedGen C2931788, MONDO:0016244.

Submissions (4):

Genomenon, Inc
Classification: Uncertain significance for Atypical hemolytic-uremic syndrome. Last evaluated: 2025-10-02. Review status: criteria provided, single submitter. Criteria: Genomenon Sequence Variant Interpretation Standards. Collection method: curation. Allele origin: germline. Affected: yes.
Comment: CD46 p.Asp33His (c.97G>C) is a missense variant that changes the amino acid at residue 33 from Aspartic acid to Histidine. This variant has been observed in at least one proband affected with atypical hemolytic-uremic syndrome (PMID:29500241;24799305;33270832). It is absent or not present at a significant frequency in gnomAD. In silico models agree that this variant is possibly or probably damaging. In conclusion, we classify CD46 p.Asp33His (c.97G>C) as a variant of uncertain significance.

MVZ Medizinische Genetik Mainz
Classification: Likely pathogenic for Atypical hemolytic-uremic syndrome with MCP/CD46 anomaly. Last evaluated: 2025-01-30. Review status: criteria provided, single submitter. Criteria: UK Practice Guidelines For Variant Classification V4 01 2020. Collection method: clinical testing. Allele origin: germline. Inheritance: Autosomal dominant inheritance. Affected: yes. Observed: 1 variant allele.
Comment: ACMG Criteria: PS1_MOD,PS4_MOD,PM2_SUP,PP3,PP4

Blueprint Genetics
Classification: Likely pathogenic for CD46-related disorders. Last evaluated: 2022-09-26. Review status: criteria provided, single submitter. Criteria: ACMG Guidelines, 2015. Collection method: clinical testing. Allele origin: germline. Affected: yes. Observed: 2 variant alleles.

Mayo Clinic Laboratories, Mayo Clinic
Classification: Likely pathogenic. Last evaluated: 2020-02-19. Review status: criteria provided, single submitter. Criteria: ACMG Guidelines, 2015. Collection method: clinical testing. Allele origin: germline. Observed: 1 variant allele.
Comment: PM2, PS4_moderate, PM1, PM3, PP1, PP3

Literature cited by the submitters: PubMed 29500241 (cited by Genomenon, Inc and Mayo Clinic Laboratories, Mayo Clinic); PubMed 24799305 (cited by Genomenon, Inc and Mayo Clinic Laboratories, Mayo Clinic); PubMed 33270832 (cited by Genomenon, Inc).

NM_172351.3(CD46):c.97G>C (p.Asp33His)

Genes: CD46 (CD46 molecule; plus strand), LOC129932405 (ATAC-STARR-seq lymphoblastoid active region 2449; plus strand). Cytogenetic location: 1q32.2.
Variant type: single nucleotide variant.
Coding change: c.97G>C on transcript NM_172351.3 (MANE Select); coding-DNA position 97, G replaced by C.
Protein change: p.Asp33His; replaces aspartic acid 33 with histidine.
Molecular consequence: missense variant.
Genome position (GRCh38, 1-based): chr1:207,752,309, G>C. VCF-style: chr1-207752309-G-C. GRCh37 (hg19) VCF-style: chr1-207925654-G-C.
Other names: c.97G>C, p.Asp33His (NM_002389.4, NM_153826.4, NM_172350.3 and 8 more transcripts); short protein forms D33H.
Identifiers: ClinVar variation 1163185 (VCV001163185.8), dbSNP rs2102512645, ClinGen allele CA344547877.
Genomic context (GRCh38, chr1:207,752,309, plus strand): 5'-TCCTGGCGCTTTCCTGGGTTGCTTCTGGCGGCCATGGTGTTGCTGCTGTACTCCTTCTCC[G>C]GTAGGACCCCGGGGCGGGTTCGCGCGTCCGCGGCGAGACTAGAGCTCTCCTCAGTCGGGC-3'
Protein context (NP_758861.1, residues 23-43): AMVLLLYSFS[Asp33His]ACEEPPTFEA